The following is an entry in ClinVar:

ClinVar aggregate classification (germline): Uncertain significance. Review status: criteria provided, multiple submitters, no conflicts (2 of 4 stars). 3 submissions from 3 submitters: Uncertain significance (3). Last evaluated 2025-08-02.

Conditions:
Inborn genetic diseases. Identifiers: MedGen C0950123, MeSH D030342.
Multiple mitochondrial dysfunctions syndrome 3 (MMDS3). Identifiers: Orphanet 363424, MedGen C3809165, MONDO:0014132, OMIM 615330.
Hereditary spastic paraplegia 74. Also called: Spastic paraplegia 74, autosomal recessive. Identifiers: Orphanet 468661, MedGen C5568837, MONDO:0014644, OMIM 616451.

Allele frequency attached by ClinVar (database versions not stated): gnomAD exomes 0.00002; ExAC 0.00005; ESP Exome Variant Server 0.00031; gnomAD 0.00034; TOPMed 0.00035.
gnomAD v4.1: 85 of 1,612,726 alleles (0.0053%); highest among the groups gnomAD compares: African/African-American, 0.1%; no homozygotes.

Submissions (3):

Ambry Genetics
Classification: Uncertain significance for Inborn genetic diseases. Last evaluated: 2025-08-02. Review status: criteria provided, single submitter. Criteria: Ambry Variant Classification Scheme 2023. Collection method: clinical testing. Allele origin: germline.

GeneDx
Classification: Uncertain significance. Last evaluated: 2024-10-11. Review status: criteria provided, single submitter. Criteria: GeneDx Variant Classification Process June 2021. Collection method: clinical testing. Allele origin: germline. Affected: yes.
Comment: In silico analysis supports that this missense variant has a deleterious effect on protein structure/function; Has not been previously published as pathogenic or benign to our knowledge

Labcorp Genetics (formerly Invitae), Labcorp
Classification: Uncertain significance for Multiple mitochondrial dysfunctions syndrome 3; Hereditary spastic paraplegia 74. Last evaluated: 2024-04-30. Review status: criteria provided, single submitter. Criteria: Invitae Variant Classification Sherloc (09022015). Collection method: clinical testing. Allele origin: germline.
Comment: This sequence change replaces isoleucine, which is neutral and non-polar, with phenylalanine, which is neutral and non-polar, at codon 327 of the IBA57 protein (p.Ile327Phe). This variant is present in population databases (rs367545710, gnomAD 0.1%). This variant has not been reported in the literature in individuals affected with IBA57-related conditions. ClinVar contains an entry for this variant (Variation ID: 2050674). Advanced modeling of protein sequence and biophysical properties (such as structural, functional, and spatial information, amino acid conservation, physicochemical variation, residue mobility, and thermodynamic stability) performed at Invitae indicates that this missense variant is not expected to disrupt IBA57 protein function with a negative predictive value of 80%. In summary, the available evidence is currently insufficient to determine the role of this variant in disease. Therefore, it has been classified as a Variant of Uncertain Significance.

NM_001010867.4(IBA57):c.979A>T (p.Ile327Phe)

Gene: IBA57 (iron-sulfur cluster assembly factor IBA57; plus strand). Cytogenetic location: 1q42.13.
Variant type: single nucleotide variant.
Coding change: c.979A>T on transcript NM_001010867.4 (MANE Select); coding-DNA position 979, A replaced by T.
Protein change: p.Ile327Phe; replaces isoleucine 327 with phenylalanine.
Molecular consequence: missense variant.
Genome position (GRCh38, 1-based): chr1:228,175,421, A>T. VCF-style: chr1-228175421-A-T. GRCh37 (hg19) VCF-style: chr1-228363122-A-T.
Other names: c.979A>T (NM_001010867.2); c.400A>T, p.Ile134Phe (NM_001310327.2); short protein forms I327F, I134F.
Identifiers: ClinVar variation 2050674 (VCV002050674.6), dbSNP rs367545710, ClinGen allele CA1431301.